The following is an entry in ClinVar:

NC_000003.11:g.(?_38924714)_(38927739_?)del

Gene: SCN11A (sodium voltage-gated channel alpha subunit 11; minus strand). Cytogenetic location: 3p22.2.
Variant type: Deletion.
Identifiers: ClinVar variation 1411778 (VCV001411778.6).

ClinVar aggregate classification (germline): Uncertain significance (1 of 4 stars; one submission).

Conditions:
Hereditary sensory and autonomic neuropathy type 7. Also called: Neuropathy, hereditary sensory and autonomic, type VII; HSAN VII. Identifiers: Orphanet 391397, MedGen C3809882, MONDO:0014244, OMIM 615548.
Familial episodic pain syndrome with predominantly lower limb involvement. Also called: Episodic pain syndrome, familial, 3. Identifiers: Orphanet 391384, Orphanet 391392, MedGen C3809899, MONDO:0014247, OMIM 615552.

Submission:

Labcorp Genetics (formerly Invitae), Labcorp
Classification: Uncertain significance for Familial episodic pain syndrome with predominantly lower limb involvement; Hereditary sensory and autonomic neuropathy type 7. Last evaluated: 2021-01-29. Review status: criteria provided, single submitter. Criteria: Invitae Variant Classification Sherloc (09022015). Collection method: clinical testing. Allele origin: germline.
Comment: In summary, the available evidence is currently insufficient to determine the role of this variant in disease. Therefore, it has been classified as a Variant of Uncertain Significance. Experimental studies and prediction algorithms are not available or were not evaluated, and the functional significance of this variant is currently unknown. This variant has not been reported in the literature in individuals with SCN11A-related conditions. This variant is a gross deletion of the genomic region encompassing exon(s) 16-18 of the SCN11A gene. This variant would be expected to be in-frame, preserving the integrity of the reading frame.